The following is an entry in ClinVar:

ClinVar aggregate classification (germline): Likely pathogenic (1 of 4 stars; one submission).

Conditions:
Meckel-Gruber syndrome. Also called: Dysencephalia splachnocystica; DYSENCEPHALIA SPLANCHNOCYSTICA; GRUBER SYNDROME. Identifiers: Orphanet 564, MedGen C0265215, MONDO:0018921.
Joubert syndrome. Also called: JOUBERT-BOLTSHAUSER SYNDROME; Familial aplasia of the vermis. Identifiers: Orphanet 475, MedGen C5979921, MONDO:0018772.

Submission:

Labcorp Genetics (formerly Invitae), Labcorp
Classification: Likely pathogenic for Joubert syndrome; Meckel-Gruber syndrome. Last evaluated: 2022-11-29. Review status: criteria provided, single submitter. Criteria: Invitae Variant Classification Sherloc (09022015). Collection method: clinical testing. Allele origin: germline.
Comment: Advanced modeling of protein sequence and biophysical properties (such as structural, functional, and spatial information, amino acid conservation, physicochemical variation, residue mobility, and thermodynamic stability) performed at Invitae indicates that this missense variant is expected to disrupt CC2D2A protein function. In summary, the currently available evidence indicates that the variant is pathogenic, but additional data are needed to prove that conclusively. Therefore, this variant has been classified as Likely Pathogenic. ClinVar contains an entry for this variant (Variation ID: 864462). This missense change has been observed in individual(s) with clinical features of CC2D2A-related conditions (Invitae). This variant is not present in population databases (gnomAD no frequency). This sequence change replaces proline, which is neutral and non-polar, with leucine, which is neutral and non-polar, at codon 1310 of the CC2D2A protein (p.Pro1310Leu).

NM_001378615.1(CC2D2A):c.3929C>T (p.Pro1310Leu)

Genes: CC2D2A (coiled-coil and C2 domain containing 2A; plus strand), FBXL5 (F-box and leucine rich repeat protein 5; minus strand). Cytogenetic location: 4p15.32.
Variant type: single nucleotide variant.
Coding change: c.3929C>T on transcript NM_001378615.1 (MANE Select); coding-DNA position 3929, C replaced by T.
Protein change: p.Pro1310Leu; replaces proline 1310 with leucine.
Molecular consequence: missense variant.
Genome position (GRCh38, 1-based): chr4:15,580,125, C>T. VCF-style: chr4-15580125-C-T. GRCh37 (hg19) VCF-style: chr4-15581748-C-T.
Other names: c.3929C>T, p.Pro1310Leu (NM_001080522.2); c.3782C>T, p.Pro1261Leu (NM_001378617.1); short protein forms P1310L, P1261L.
Identifiers: ClinVar variation 864462 (VCV000864462.10), dbSNP rs1720595936, ClinGen allele CA356426508.